The following is an entry in ClinVar:

NM_001145809.2(MYH14):c.3335A>G (p.Glu1112Gly)

Gene: MYH14 (myosin heavy chain 14; plus strand). Cytogenetic location: 19q13.33.
Variant type: single nucleotide variant.
Coding change: c.3335A>G on transcript NM_001145809.2 (MANE Select); coding-DNA position 3335, A replaced by G.
Protein change: p.Glu1112Gly; replaces glutamic acid 1112 with glycine.
Molecular consequence: missense variant.
Genome position (GRCh38, 1-based): chr19:50,272,599, A>G. VCF-style: chr19-50272599-A-G. GRCh37 (hg19) VCF-style: chr19-50775856-A-G.
Other names: c.3236A>G, p.Glu1079Gly (NM_001077186.2); c.3212A>G, p.Glu1071Gly (NM_024729.4); short protein forms E1071G, E1079G, E1112G.
Identifiers: ClinVar variation 1338952 (VCV001338952.2), dbSNP rs766611254, ClinGen allele CA9593197.

ClinVar aggregate classification (germline): Uncertain significance (1 of 4 stars; one submission).

Allele frequency attached by ClinVar (database versions not stated): TOPMed below 0.00001; gnomAD exomes 0.00001.
gnomAD v4.1: 4 of 1,581,660 alleles (0.00025%); highest among the groups gnomAD compares: Admixed American, 0.0055%; no homozygotes.

Submission:

GeneDx
Classification: Uncertain significance. Last evaluated: 2022-01-28. Review status: criteria provided, single submitter. Criteria: GeneDx Variant Classification Process June 2021. Collection method: clinical testing. Allele origin: germline. Affected: yes.
Comment: In silico analysis supports that this missense variant has a deleterious effect on protein structure/function; Has not been previously published as pathogenic or benign to our knowledge